The following is an entry in ClinVar:

ClinVar aggregate classification (germline): Uncertain significance. Review status: criteria provided, multiple submitters, no conflicts (2 of 4 stars). 2 submissions from 2 submitters: Uncertain significance (2). Last evaluated 2022-01-04.

Conditions:
Mitochondrial DNA depletion syndrome 13. Also called: FBXL4-Related Encephalomyopathic Mitochondrial DNA Depletion Syndrome; Mitochondrial DNA depletion syndrome 13 (encephalomyopathic type). Identifiers: Orphanet 369897, MedGen C3809592, MONDO:0014198, OMIM 615471.

Allele frequency attached by ClinVar (database versions not stated): TOPMed 0.00001.
gnomAD v4.1: 7 of 1,614,016 alleles (0.00043%); highest among the groups gnomAD compares: Admixed American, 0.0017%; no homozygotes.

Submissions (2):

Labcorp Genetics (formerly Invitae), Labcorp
Classification: Uncertain significance. Last evaluated: 2022-01-04. Review status: criteria provided, single submitter. Criteria: Invitae Variant Classification Sherloc (09022015). Collection method: clinical testing. Allele origin: germline.
Comment: Advanced modeling of protein sequence and biophysical properties (such as structural, functional, and spatial information, amino acid conservation, physicochemical variation, residue mobility, and thermodynamic stability) performed at Invitae indicates that this missense variant is not expected to disrupt FBXL4 protein function. This sequence change replaces isoleucine, which is neutral and non-polar, with valine, which is neutral and non-polar, at codon 321 of the FBXL4 protein (p.Ile321Val). This variant is present in population databases (rs765148228, gnomAD 0.002%). This variant has not been reported in the literature in individuals affected with FBXL4-related conditions. ClinVar contains an entry for this variant (Variation ID: 437667). In summary, the available evidence is currently insufficient to determine the role of this variant in disease. Therefore, it has been classified as a Variant of Uncertain Significance.

Wong Mito Lab, Molecular and Human Genetics, Baylor College of Medicine
Classification: Uncertain significance for Mitochondrial DNA depletion syndrome 13. Last evaluated: 2017-08-10. Review status: criteria provided, single submitter. Criteria: ACMG Guidelines, 2015. Collection method: reference population. Allele origin: germline.
Comment: The NM_012160.4:c.961A>G (NP_036292.2:p.Ile321Val) [GRCH38: NC_000006.12:g.98905568T>C] variant in FBXL4 gene is interpretated to be a Uncertain Significance - Conflicting Evidence based on ACMG guidelines (PMID: 25741868). This variant meets one or more of the following evidence codes reported in the ACMG-guideline. PM2:This variant is absent in key population databases. BP4:Computational evidence/predictors indicate no impact on the FBXL4 structure, function, or protein-protein interaction. Based on this evidence code ClinGen Pathogenicity Calculator (PMID:28081714) suggested that the variant is Uncertain Significance - Conflicting Evidence.

NM_001278716.2(FBXL4):c.961A>G (p.Ile321Val)

Gene: FBXL4 (F-box and leucine rich repeat protein 4; minus strand). Cytogenetic location: 6q16.2.
Variant type: single nucleotide variant.
Coding change: c.961A>G on transcript NM_001278716.2 (MANE Select); coding-DNA position 961, A replaced by G.
Protein change: p.Ile321Val; replaces isoleucine 321 with valine.
Molecular consequence: missense variant. On other transcripts: non-coding transcript variant (2).
Genome position (GRCh38, 1-based): chr6:98,905,568, T>C on the plus strand (A>G on the coding strand, the complement: FBXL4 is on the minus strand). VCF-style: chr6-98905568-T-C. GRCh37 (hg19) VCF-style: chr6-99353444-T-C.
Other names: c.961A>G, p.Ile321Val (NM_012160.5); short protein forms I321V.
Identifiers: ClinVar variation 437667 (VCV000437667.4), dbSNP rs765148228, ClinGen allele CA3933572.
Genomic context (GRCh38, chr6:98,905,568, plus strand): 5'-GTAGAAATTCCAGAGAAGTGTCATCTAGTTTTGCCCAGTATGGTTGCAGATTGAGGTGGA[T>C]GTATTGCAGAGGATCACAGCAATGCTGGCTCAGTAGTTTGCAAGTCTGTGCTAATCTACA-3'
Protein context (NP_001265645.1, residues 311-331): SQHCCDPLQY[Ile321Val]HLNLQPYWAK